The following is an entry in ClinVar:

NM_001042492.3(NF1):c.6705-15A>G

Gene: NF1 (neurofibromin 1; plus strand). Cytogenetic location: 17q11.2.
Variant type: single nucleotide variant.
Coding change: c.6705-15A>G on transcript NM_001042492.3 (MANE Select); 15 bases into the intron before coding-DNA position 6705, A replaced by G.
Molecular consequence: intron variant.
Genome position (GRCh38, 1-based): chr17:31,338,010, A>G. VCF-style: chr17-31338010-A-G. GRCh37 (hg19) VCF-style: chr17-29665028-A-G.
Other names: c.6642-15A>G (NM_000267.4).
Identifiers: ClinVar variation 1565170 (VCV001565170.9), dbSNP rs2151557980, ClinGen allele CA2573153857.

ClinVar aggregate classification (germline): Likely benign. Review status: criteria provided, multiple submitters, no conflicts (2 of 4 stars). 2 submissions from 2 submitters: Likely benign (2). Last evaluated 2026-09-23.

Conditions:
Neurofibromatosis, type 1 (NF1). Also called: NEUROFIBROMATOSIS, TYPE I, SOMATIC; Neurofibromatosis, type I; VON RECKLINGHAUSEN DISEASE; Peripheral type neurofibromatosis. Identifiers: Orphanet 636, MedGen C0027831, MONDO:0018975, OMIM 162200. Disease mechanism: loss of function.

gnomAD v4.1: 2 of 1,600,930 alleles (0.00012%); highest among the groups gnomAD compares: Non-Finnish European, 0.00017%; no homozygotes.

Submissions (2):

Myriad Genetics, Inc.
Classification: Likely benign for Neurofibromatosis, type 1. Last evaluated: 2026-09-23. Review status: criteria provided, single submitter. Criteria: Myriad Autosomal Dominant, Autosomal Recessive and X-Linked Classification Criteria (2023). Collection method: clinical testing. Allele origin: unknown.
Comment: This variant is considered likely benign. This variant is intronic and is not expected to impact mRNA splicing.

Labcorp Genetics (formerly Invitae), Labcorp
Classification: Likely benign for Neurofibromatosis, type 1. Last evaluated: 2024-02-27. Review status: criteria provided, single submitter. Criteria: Invitae Variant Classification Sherloc (09022015). Collection method: clinical testing. Allele origin: germline.